The following is an entry in ClinVar:

ClinVar aggregate classification (germline): Uncertain significance (1 of 4 stars; one submission).

Conditions:
Hereditary cancer-predisposing syndrome. Also called: Neoplastic Syndromes, Hereditary; Tumor predisposition; Hereditary neoplastic syndrome; Hereditary Cancer Syndrome. Identifiers: Orphanet 140162, MedGen C0027672, MeSH D009386, MONDO:0015356.

Submission:

Ambry Genetics
Classification: Uncertain significance for Hereditary cancer-predisposing syndrome. Last evaluated: 2025-06-03. Review status: criteria provided, single submitter. Criteria: Ambry Variant Classification Scheme 2023. Collection method: clinical testing. Allele origin: germline.
Comment: The p.R307G variant (also known as c.919A>G), located in coding exon 1 of the MET gene, results from an A to G substitution at nucleotide position 919. The arginine at codon 307 is replaced by glycine, an amino acid with dissimilar properties. This amino acid position is highly conserved in available vertebrate species. In addition, the in silico prediction for this alteration is inconclusive. Based on the available evidence, the clinical significance of this variant remains unclear.

NM_000245.4(MET):c.919A>G (p.Arg307Gly)

Gene: MET (MET proto-oncogene, receptor tyrosine kinase; plus strand). Cytogenetic location: 7q31.2.
Variant type: single nucleotide variant.
Coding change: c.919A>G on transcript NM_000245.4 (MANE Select); coding-DNA position 919, A replaced by G.
Protein change: p.Arg307Gly; replaces arginine 307 with glycine.
Molecular consequence: missense variant. On other transcripts: intron variant (1).
Genome position (GRCh38, 1-based): chr7:116,700,003, A>G. VCF-style: chr7-116700003-A-G. GRCh37 (hg19) VCF-style: chr7-116340057-A-G.
Other names: c.919A>G, p.Arg307Gly (NM_001127500.3, NM_001324401.3); c.-91+27426A>G (NM_001324402.2); short protein forms R307G.
Identifiers: ClinVar variation 4053973 (VCV004053973.1).
Genomic context (GRCh38, chr7:116,700,003, plus strand): 5'-GGATTGCATTCCTACATGGAAATGCCTCTGGAGTGTATTCTCACAGAAAAGAGAAAAAAG[A>G]GATCCACAAAGAAGGAAGTGTTTAATATACTTCAGGCTGCGTATGTCAGCAAGCCTGGGG-3'
Protein context (NP_000236.2, residues 297-317): ECILTEKRKK[Arg307Gly]STKKEVFNIL